The following is an entry in ClinVar:

NM_001005273.3(CHD3):c.349C>T (p.Arg117Trp)

Gene: CHD3 (chromodomain helicase DNA binding protein 3; plus strand). Cytogenetic location: 17p13.1.
Variant type: single nucleotide variant.
Coding change: c.349C>T on transcript NM_001005273.3 (MANE Select); coding-DNA position 349, C replaced by T.
Protein change: p.Arg117Trp; replaces arginine 117 with tryptophan.
Molecular consequence: missense variant.
Genome position (GRCh38, 1-based): chr17:7,890,706, C>T. VCF-style: chr17-7890706-C-T. GRCh37 (hg19) VCF-style: chr17-7794024-C-T.
Other names: c.526C>T, p.Arg176Trp (NM_001005271.3); c.349C>T, p.Arg117Trp (NM_005852.4); short protein forms R117W, R176W.
Identifiers: ClinVar variation 2228147 (VCV002228147.2), dbSNP rs1379712009, ClinGen allele CA397935459.
Genomic context (GRCh38, chr17:7,890,706, plus strand): 5'-ACCGGACCGGGTCGGAAACGAAGAAGGAAGCACCGAGAAAAAAAGGAGAAGAAGACAAAG[C>T]GGCGGAAAAAGGGGGAGGGAGATGGGGGGCAAAAGGTGAGTAGAATTAGGGAATGAGAGT-3'
Protein context (NP_001005273.1, residues 107-127): HREKKEKKTK[Arg117Trp]RKKGEGDGGQ

ClinVar aggregate classification (germline): Uncertain significance (1 of 4 stars; one submission).

Conditions:
Inborn genetic diseases. Identifiers: MedGen C0950123, MeSH D030342.

Allele frequency attached by ClinVar (database versions not stated): gnomAD exomes 0.00001.
gnomAD v4.1: 14 of 1,560,680 alleles (0.0009%); highest among the groups gnomAD compares: Middle Eastern, 0.017%; no homozygotes.

Submission:

Ambry Genetics
Classification: Uncertain significance for Inborn genetic diseases. Last evaluated: 2020-12-10. Review status: criteria provided, single submitter. Criteria: Ambry Variant Classification Scheme 2023. Collection method: clinical testing. Allele origin: germline.
Comment: The c.526C>T (p.R176W) alteration is located in exon 3 (coding exon 3) of the CHD3 gene. This alteration results from a C to T substitution at nucleotide position 526, causing the arginine (R) at amino acid position 176 to be replaced by a tryptophan (W). The p.R176W alteration is predicted to be tolerated by in silico analysis. Based on insufficient or conflicting evidence, the clinical significance of this alteration remains unclear.